The following is an entry in ClinVar:

ClinVar aggregate classification (germline): Pathogenic (1 of 4 stars; one submission).

Conditions:
Hereditary cancer-predisposing syndrome. Also called: Hereditary Cancer Syndrome; Neoplastic Syndromes, Hereditary; Tumor predisposition; Hereditary neoplastic syndrome. Identifiers: Orphanet 140162, MedGen C0027672, MeSH D009386, MONDO:0015356.

Submission:

Ambry Genetics
Classification: Pathogenic for Hereditary cancer-predisposing syndrome. Last evaluated: 2020-02-27. Review status: criteria provided, single submitter. Criteria: Ambry Variant Classification Scheme 2023. Collection method: clinical testing. Allele origin: germline.
Comment: The c.5091_5092dupTG pathogenic mutation, located in coding exon 16 of the BRCA1 gene, results from a duplication of TG at nucleotide position 5091, causing a translational frameshift with a predicted alternate stop codon (p.E1698Vfs*5). This alteration is expected to result in loss of function by premature protein truncation or nonsense-mediated mRNA decay. As such, this alteration is interpreted as a disease-causing mutation.

NM_007294.4(BRCA1):c.5091_5092dup (p.Glu1698fs)

Gene: BRCA1 (BRCA1 DNA repair associated; minus strand). Cytogenetic location: 17q21.31.
Variant type: Microsatellite.
Coding change: c.5091_5092dup on transcript NM_007294.4 (MANE Select); coding-DNA positions 5091 to 5092, 2 bases duplicated (TG; older notation c.5091_5092dupTG).
Protein change: p.Glu1698fs; shifts the reading frame from glutamic acid 1698.
Molecular consequence: frameshift variant. On other transcripts: non-coding transcript variant (1).
Genome position (GRCh38, 1-based): chr17:43,063,934-43,063,935, CA duplicated on the plus strand (TG on the coding strand, the reverse complement: BRCA1 is on the minus strand); duplicating any 2 consecutive bases within chr17:43,063,934-43,063,941 gives the same sequence; the c. name uses the placement nearest the transcript's 3' end. VCF-style (leftmost placement, unchanged base first): chr17-43063933-T-TCA. GRCh37 (hg19) VCF-style: chr17-41215950-T-TCA.
Other names: c.1656_1657TG[5], p.Glu555Valfs (NM_001408424.1, NM_001408421.1, NM_001408422.1 and 1 more transcripts); c.1653_1654TG[5], p.Glu554Valfs (NM_001408426.1, NM_001408427.1, NM_001408429.1 and 4 more transcripts); c.5070_5071TG[5], p.Glu1693Valfs (NM_001407647.1); c.5028_5029TG[5], p.Glu1679Valfs (NM_001407648.1); c.5025_5026TG[5], p.Glu1678Valfs (NM_001407649.1); c.5007_5008TG[5], p.Glu1672Valfs (NM_001407653.1, NM_001407654.1, NM_001407655.1); c.5004_5005TG[5], p.Glu1671Valfs (NM_001407656.1, NM_001407657.1, NM_001407658.1); c.5001_5002TG[5], p.Glu1670Valfs (NM_001407659.1, NM_001407660.1, NM_001407661.1 and 2 more transcripts); and 75 more; short protein forms E594fs, E1698fs, E1719fs, E1651fs.
Identifiers: ClinVar variation 1745277 (VCV001745277.2), dbSNP rs80357710, ClinGen allele CA2580612626.